The following is an entry in ClinVar:

NM_003995.4(NPR2):c.1825G>A (p.Glu609Lys)

Gene: NPR2 (natriuretic peptide receptor 2; plus strand). Cytogenetic location: 9p13.3.
Variant type: single nucleotide variant.
Coding change: c.1825G>A on transcript NM_003995.4 (MANE Select); coding-DNA position 1825, G replaced by A.
Protein change: p.Glu609Lys; replaces glutamic acid 609 with lysine.
Molecular consequence: missense variant.
Genome position (GRCh38, 1-based): chr9:35,802,741, G>A. VCF-style: chr9-35802741-G-A. GRCh37 (hg19) VCF-style: chr9-35802738-G-A.
Other names: c.1834G>A, p.Glu612Lys (NM_001378923.1); short protein forms E609K, E612K.
Identifiers: ClinVar variation 2145286 (VCV002145286.4), dbSNP rs374029484, ClinGen allele CA5051840.

ClinVar aggregate classification (germline): Uncertain significance. Review status: criteria provided, multiple submitters, no conflicts (2 of 4 stars). 2 submissions from 2 submitters: Uncertain significance (2). Last evaluated 2026-03-25.

Conditions:
Acromesomelic dysplasia 1, Maroteaux type (AMD1). Also called: ST. HELENA DYSPLASIA; ACROMESOMELIC DYSPLASIA 1. Identifiers: Orphanet 40, MedGen C1864356, MONDO:0011275, OMIM 602875.
Tall stature-scoliosis-macrodactyly of the great toes syndrome. Also called: Epiphyseal chondrodysplasia, miura type. Identifiers: Orphanet 329191, MedGen C4014690, MONDO:0014401, OMIM 615923.
Fetal anomalies with a likely genetic cause.

Allele frequency attached by ClinVar (database versions not stated): gnomAD 0.00001; ExAC 0.00003; TOPMed 0.00003; gnomAD exomes 0.00010; ESP Exome Variant Server 0.00015.
gnomAD v4.1: 138 of 1,612,096 alleles (0.0086%); highest among the groups gnomAD compares: Non-Finnish European, 0.011%; no homozygotes.

Submissions (2):

Genetics Laboratory, Great Ormond Street Hospital NHS Foundation Trust, North Thames Genomic Laboratory Hub
Classification: Uncertain significance for Fetal anomalies with a likely genetic cause. Last evaluated: 2026-03-25. Review status: criteria provided, single submitter. Criteria: ACGS Best Practice Guidelines for Variant Classification in Rare Disease 2024 v1.2. Collection method: clinical testing. Allele origin: germline. Affected: yes.
Comment: PM2_moderate, PP3_supporting, PP2_supporting

Labcorp Genetics (formerly Invitae), Labcorp
Classification: Uncertain significance for Tall stature-scoliosis-macrodactyly of the great toes syndrome; Acromesomelic dysplasia 1, Maroteaux type. Last evaluated: 2024-07-03. Review status: criteria provided, single submitter. Criteria: Invitae Variant Classification Sherloc (09022015). Collection method: clinical testing. Allele origin: germline.
Comment: This sequence change replaces glutamic acid, which is acidic and polar, with lysine, which is basic and polar, at codon 609 of the NPR2 protein (p.Glu609Lys). This variant is present in population databases (rs374029484, gnomAD 0.007%). This missense change has been observed in individual(s) with acromesomelic dysplasia (PMID: 34178199). ClinVar contains an entry for this variant (Variation ID: 2145286). Advanced modeling of protein sequence and biophysical properties (such as structural, functional, and spatial information, amino acid conservation, physicochemical variation, residue mobility, and thermodynamic stability) performed at Invitae indicates that this missense variant is not expected to disrupt NPR2 protein function with a negative predictive value of 80%. Algorithms developed to predict the effect of sequence changes on RNA splicing suggest that this variant may disrupt the consensus splice site. In summary, the available evidence is currently insufficient to determine the role of this variant in disease. Therefore, it has been classified as a Variant of Uncertain Significance.

Literature cited by the submitters: PubMed 34178199 (cited by Labcorp Genetics (formerly Invitae), Labcorp).